The following is an entry in ClinVar:

ClinVar aggregate classification (germline): Uncertain significance (1 of 4 stars; one submission).

Conditions:
Hyperphosphatasia with intellectual disability syndrome 5 (GPIBD11). Also called: GLYCOSYLPHOSPHATIDYLINOSITOL BIOSYNTHESIS DEFECT 11. Identifiers: Orphanet 247262, MedGen C4014958, MONDO:0014457, OMIM 616025.

Allele frequency attached by ClinVar (database versions not stated): gnomAD exomes below 0.00001 and 0.00001; TOPMed below 0.00001.
gnomAD v4.1: 1 of 1,614,138 alleles (0.000062%); highest among the groups gnomAD compares: Non-Finnish European, 0.000085%; no homozygotes.

Submission:

Labcorp Genetics (formerly Invitae), Labcorp
Classification: Uncertain significance for Hyperphosphatasia with intellectual disability syndrome 5. Last evaluated: 2022-04-10. Review status: criteria provided, single submitter. Criteria: Invitae Variant Classification Sherloc (09022015). Collection method: clinical testing. Allele origin: germline.
Comment: This sequence change replaces valine, which is neutral and non-polar, with alanine, which is neutral and non-polar, at codon 270 of the PIGW protein (p.Val270Ala). This variant is present in population databases (no rsID available, gnomAD 0.002%). This variant has not been reported in the literature in individuals affected with PIGW-related conditions. Algorithms developed to predict the effect of missense changes on protein structure and function output the following: SIFT: "Tolerated"; PolyPhen-2: "Benign"; Align-GVGD: "Class C0". The alanine amino acid residue is found in multiple mammalian species, which suggests that this missense change does not adversely affect protein function. In summary, the available evidence is currently insufficient to determine the role of this variant in disease. Therefore, it has been classified as a Variant of Uncertain Significance.

NM_001346754.2(PIGW):c.809T>C (p.Val270Ala)

Genes: MYO19 (myosin XIX; minus strand), PIGW (phosphatidylinositol glycan anchor biosynthesis class W; plus strand). Cytogenetic location: 17q12.
Variant type: single nucleotide variant.
Coding change: c.809T>C on transcript NM_001346754.2 (MANE Select); coding-DNA position 809, T replaced by C.
Protein change: p.Val270Ala; replaces valine 270 with alanine.
Molecular consequence: missense variant.
Genome position (GRCh38, 1-based): chr17:36,537,910, T>C. VCF-style: chr17-36537910-T-C. GRCh37 (hg19) VCF-style: chr17-34893759-T-C.
Other names: c.809T>C, p.Val270Ala (NM_001346755.2, NM_178517.5); short protein forms V270A.
Identifiers: ClinVar variation 1508210 (VCV001508210.3), dbSNP rs1305809089, ClinGen allele CA399163638.